The following is an entry in ClinVar:

NM_015178.3(RHOBTB2):c.1275C>G (p.Pro425=)

Gene: RHOBTB2 (Rho related BTB domain containing 2; plus strand). Cytogenetic location: 8p21.3.
Variant type: single nucleotide variant.
Coding change: c.1275C>G on transcript NM_015178.3 (MANE Select); coding-DNA position 1275, C replaced by G.
Protein change: p.Pro425=; no amino-acid change (proline 425 retained).
Molecular consequence: synonymous variant.
Genome position (GRCh38, 1-based): chr8:23,007,520, C>G. VCF-style: chr8-23007520-C-G. GRCh37 (hg19) VCF-style: chr8-22865033-C-G.
Other names: c.1341C>G, p.Pro447= (NM_001160036.2); c.1296C>G, p.Pro432= (NM_001160037.2); c.1275C>G, p.Pro425= (NM_001374791.1).
Identifiers: ClinVar variation 4872811 (VCV004872811.2).

ClinVar aggregate classification (germline): Likely benign (1 of 4 stars; one submission).

Submission:

CeGaT Center for Human Genetics Tuebingen
Classification: Likely benign. Last evaluated: 2026-05-01. Review status: criteria provided, single submitter. Criteria: CeGaT Center For Human Genetics Tuebingen Variant Classification Criteria Version 2. Collection method: clinical testing. Allele origin: germline. Affected: yes. Observed: 1 variant allele.
Comment: RHOBTB2: PM2:Supporting, BP4, BP7